The following is an entry in ClinVar:

ClinVar aggregate classification (germline): Likely benign. Review status: criteria provided, multiple submitters, no conflicts (2 of 4 stars). 3 submissions from 3 submitters: Likely benign (2). 1 of the submissions does not count toward it. Last evaluated 2026-06-01.

Conditions:
FOCAD-related disorder. Also called: FOCAD-related condition.

Allele frequency attached by ClinVar (database versions not stated): TOPMed 0.00009; gnomAD 0.00010; 1000 Genomes Project 30x 0.00016; ExAC 0.00016; 1000 Genomes Project 0.00020; ESP Exome Variant Server 0.00031.
gnomAD v4.1: 241 of 1,613,922 alleles (0.015%); highest among the groups gnomAD compares: Admixed American, 0.033%; no homozygotes.

Submissions (3):

CeGaT Center for Human Genetics Tuebingen
Classification: Likely benign. Last evaluated: 2026-06-01. Review status: criteria provided, single submitter. Criteria: CeGaT Center For Human Genetics Tuebingen Variant Classification Criteria Version 2. Collection method: clinical testing. Allele origin: germline. Affected: yes. Observed: 3 variant alleles.
Comment: FOCAD: BP4, BP7

Labcorp Genetics (formerly Invitae), Labcorp
Classification: Likely benign. Last evaluated: 2026-01-02. Review status: criteria provided, single submitter. Criteria: Invitae Variant Classification Sherloc (09022015). Collection method: clinical testing. Allele origin: germline.

PreventionGenetics, part of Exact Sciences
Classification: Likely benign for FOCAD-related condition. Last evaluated: 2019-06-10. Review status: no assertion criteria provided. Collection method: clinical testing. Allele origin: germline. Not counted in ClinVar's aggregate classification.
Comment: This variant is classified as likely benign based on ACMG/AMP sequence variant interpretation guidelines (Richards et al. 2015 PMID: 25741868, with internal and published modifications).

NM_001375567.1(FOCAD):c.3360G>A (p.Ser1120=)

Gene: FOCAD (focadhesin; plus strand). Cytogenetic location: 9p21.3.
Variant type: single nucleotide variant.
Coding change: c.3360G>A on transcript NM_001375567.1 (MANE Select); coding-DNA position 3360, G replaced by A.
Protein change: p.Ser1120=; no amino-acid change (serine 1120 retained).
Molecular consequence: synonymous variant.
Genome position (GRCh38, 1-based): chr9:20,933,056, G>A. VCF-style: chr9-20933056-G-A. GRCh37 (hg19) VCF-style: chr9-20933055-G-A.
Other names: c.3255G>A, p.Ser1085= (NM_001375568.1, NM_001375570.1); c.3360G>A, p.Ser1120= (NM_017794.5); c.3360G>A (NM_017794.4).
Identifiers: ClinVar variation 2571329 (VCV002571329.31), dbSNP rs149998482, ClinGen allele CA5007517.